The following is an entry in ClinVar:

ClinVar aggregate classification (germline): Uncertain significance (1 of 4 stars; one submission).

Allele frequency attached by ClinVar (database versions not stated): TOPMed below 0.00001.

Submission:

Ambry Genetics
Classification: Uncertain significance. Last evaluated: 2024-03-02. Review status: criteria provided, single submitter. Criteria: Ambry Variant Classification Scheme 2023. Collection method: clinical testing. Allele origin: germline.
Comment: The p.Y1121F variant (also known as c.3362A>T), located in coding exon 29 of the KIF1B gene, results from an A to T substitution at nucleotide position 3362. The tyrosine at codon 1121 is replaced by phenylalanine, an amino acid with highly similar properties. This amino acid position is conserved. In addition, the in silico prediction for this alteration is inconclusive. Since supporting evidence is limited at this time, the clinical significance of this alteration remains unclear.

NM_001365951.3(KIF1B):c.3500A>T (p.Tyr1167Phe)

Gene: KIF1B (kinesin family member 1B; plus strand). Cytogenetic location: 1p36.22.
Variant type: single nucleotide variant.
Coding change: c.3500A>T on transcript NM_001365951.3 (MANE Select); coding-DNA position 3500, A replaced by T.
Protein change: p.Tyr1167Phe; replaces tyrosine 1167 with phenylalanine.
Molecular consequence: missense variant.
Genome position (GRCh38, 1-based): chr1:10,339,846, A>T. VCF-style: chr1-10339846-A-T. GRCh37 (hg19) VCF-style: chr1-10399904-A-T.
Other names: c.3500A>T, p.Tyr1167Phe (NM_001365952.1); c.3362A>T, p.Tyr1121Phe (NM_015074.3); short protein forms Y1167F, Y1121F.
Identifiers: ClinVar variation 1730624 (VCV001730624.2), dbSNP rs1652322908, ClinGen allele CA338341200.